The following is an entry in ClinVar:

NM_024577.4(SH3TC2):c.1472_1474del (p.Phe491del)

Gene: SH3TC2 (SH3 domain and tetratricopeptide repeats 2; minus strand). Cytogenetic location: 5q32.
Variant type: Deletion.
Coding change: c.1472_1474del on transcript NM_024577.4 (MANE Select); coding-DNA positions 1472 to 1474, 3 bases deleted (TCT; older notation c.1472_1474delTCT).
Protein change: p.Phe491del; deletes phenylalanine 491.
Molecular consequence: inframe deletion. On other transcripts: inframe indel (1).
Genome position (GRCh38, 1-based): chr5:149,028,258-149,028,260, AGA deleted on the plus strand (TCT on the coding strand, the reverse complement: SH3TC2 is on the minus strand); deleting any 3 consecutive bases within chr5:149,028,258-149,028,262 gives the same sequence; the c. name uses the placement nearest the transcript's 3' end. VCF-style (leftmost placement, unchanged base first): chr5-149028257-GAGA-G. GRCh37 (hg19) VCF-style: chr5-148407820-GAGA-G.
Other names: c.1470_1472delCTT, p.Phe491del (NM_024577.3); short protein forms F491del.
Identifiers: ClinVar variation 2684376 (VCV002684376.1), dbSNP rs984512495, ClinGen allele CA128985474.

ClinVar aggregate classification (germline): Uncertain significance (1 of 4 stars; one submission).

Submission:

Athena Diagnostics
Classification: Uncertain significance. Last evaluated: 2022-10-20. Review status: criteria provided, single submitter. Criteria: Athena Diagnostics Criteria. Collection method: clinical testing. Allele origin: unknown.
Comment: Available data are insufficient to determine the clinical significance of the variant at this time. The frequency of this variant in the general population is uninformative in assessment of its pathogenicity. Computational tools yielded predictions that this variant is unlikely to have an effect on normal RNA splicing.